The following is an entry in ClinVar:

NM_014319.5(LEMD3):c.203A>C (p.Asn68Thr)

Gene: LEMD3 (LEM domain containing 3; plus strand). Cytogenetic location: 12q14.3.
Variant type: single nucleotide variant.
Coding change: c.203A>C on transcript NM_014319.5 (MANE Select); coding-DNA position 203, A replaced by C.
Protein change: p.Asn68Thr; replaces asparagine 68 with threonine.
Molecular consequence: missense variant.
Genome position (GRCh38, 1-based): chr12:65,169,799, A>C. VCF-style: chr12-65169799-A-C. GRCh37 (hg19) VCF-style: chr12-65563579-A-C.
Other names: c.203A>C, p.Asn68Thr (NM_001167614.2); short protein forms N68T.
Identifiers: ClinVar variation 3645870 (VCV003645870.2).

ClinVar aggregate classification (germline): Uncertain significance (1 of 4 stars; one submission).

Submission:

Labcorp Genetics (formerly Invitae), Labcorp
Classification: Uncertain significance. Last evaluated: 2024-03-13. Review status: criteria provided, single submitter. Criteria: Invitae Variant Classification Sherloc (09022015). Collection method: clinical testing. Allele origin: germline.
Comment: This sequence change replaces asparagine, which is neutral and polar, with threonine, which is neutral and polar, at codon 68 of the LEMD3 protein (p.Asn68Thr). This variant is not present in population databases (gnomAD no frequency). This variant has not been reported in the literature in individuals affected with LEMD3-related conditions. An algorithm developed to predict the effect of missense changes on protein structure and function (PolyPhen-2) suggests that this variant is likely to be disruptive. In summary, the available evidence is currently insufficient to determine the role of this variant in disease. Therefore, it has been classified as a Variant of Uncertain Significance.